The following is an entry in ClinVar:

ClinVar aggregate classification (germline): Uncertain significance (1 of 4 stars; one submission).

Conditions:
Bethlem myopathy 1A. Also called: Bethlem Muscular Dystrophy; MYOPATHY, BENIGN CONGENITAL, WITH CONTRACTURES; Bethlem myopathy 1. Identifiers: Orphanet 610, MedGen CN029274, MONDO:0024530, OMIM 158810.

Submission:

Labcorp Genetics (formerly Invitae), Labcorp
Classification: Uncertain significance for Bethlem myopathy 1A. Last evaluated: 2020-03-19. Review status: criteria provided, single submitter. Criteria: Invitae Variant Classification Sherloc (09022015). Collection method: clinical testing. Allele origin: germline.
Comment: This sequence change replaces leucine with valine at codon 1135 of the COL6A3 protein (p.Leu1135Val). The leucine residue is weakly conserved and there is a small physicochemical difference between leucine and valine. This variant is not present in population databases (ExAC no frequency). This variant has not been reported in the literature in individuals with COL6A3-related conditions. Algorithms developed to predict the effect of missense changes on protein structure and function (SIFT, PolyPhen-2, Align-GVGD) all suggest that this variant is likely to be tolerated, but these predictions have not been confirmed by published functional studies and their clinical significance is uncertain. Algorithms developed to predict the effect of sequence changes on RNA splicing suggest that this variant may create or strengthen a splice site, but this prediction has not been confirmed by published transcriptional studies. In summary, the available evidence is currently insufficient to determine the role of this variant in disease. Therefore, it has been classified as a Variant of Uncertain Significance.

NM_004369.4(COL6A3):c.3403C>G (p.Leu1135Val)

Gene: COL6A3 (collagen type VI alpha 3 chain; minus strand). Cytogenetic location: 2q37.3.
Variant type: single nucleotide variant.
Coding change: c.3403C>G on transcript NM_004369.4 (MANE Select); coding-DNA position 3403, C replaced by G.
Protein change: p.Leu1135Val; replaces leucine 1135 with valine.
Molecular consequence: missense variant.
Genome position (GRCh38, 1-based): chr2:237,374,688, G>C on the plus strand (C>G on the coding strand, the complement: COL6A3 is on the minus strand). VCF-style: chr2-237374688-G-C. GRCh37 (hg19) VCF-style: chr2-238283331-G-C.
Other names: c.2182C>G, p.Leu728Val (NM_057164.5); c.2785C>G, p.Leu929Val (NM_057165.5, NM_057167.4); c.1582C>G, p.Leu528Val (NM_057166.5); short protein forms L1135V, L528V, L728V, L929V.
Identifiers: ClinVar variation 1015356 (VCV001015356.9), dbSNP rs2077785980, ClinGen allele CA351203114.